The following is an entry in ClinVar:

NM_018474.6(KIZ):c.90-4A>G

Gene: KIZ (kizuna centrosomal protein; plus strand). Cytogenetic location: 20p11.23.
Variant type: single nucleotide variant.
Coding change: c.90-4A>G on transcript NM_018474.6 (MANE Select); 4 bases into the intron before coding-DNA position 90, A replaced by G.
Molecular consequence: intron variant.
Genome position (GRCh38, 1-based): chr20:21,132,093, A>G. VCF-style: chr20-21132093-A-G. GRCh37 (hg19) VCF-style: chr20-21112734-A-G.
Other names: c.168+5889A>G (NM_001276389.2); c.-297-4A>G (NM_001352436.2); c.90-4A>G (NM_001352434.2, NM_018474.5); c.-57-4A>G (NM_001163022.3, NM_001352435.2, NM_001163023.3).
Identifiers: ClinVar variation 1603870 (VCV001603870.10), dbSNP rs373018066, ClinGen allele CA9784589.

ClinVar aggregate classification (germline): Likely benign. Review status: criteria provided, single submitter (1 of 4 stars). 2 submissions from 2 submitters: Likely benign (1). 1 of the submissions does not count toward it. Last evaluated 2025-12-09.

Conditions:
KIZ-related disorder. Also called: KIZ-related condition.

Allele frequency attached by ClinVar (database versions not stated): gnomAD 0.00001; gnomAD exomes 0.00001 and 0.00002; TOPMed 0.00001; ExAC 0.00005; ESP Exome Variant Server 0.00009.
gnomAD v4.1: 13 of 1,212,416 alleles (0.0011%); highest among the groups gnomAD compares: East Asian, 0.0025%; no homozygotes.

Submissions (2):

Labcorp Genetics (formerly Invitae), Labcorp
Classification: Likely benign. Last evaluated: 2025-12-09. Review status: criteria provided, single submitter. Criteria: Invitae Variant Classification Sherloc (09022015). Collection method: clinical testing. Allele origin: germline.

PreventionGenetics, part of Exact Sciences
Classification: Likely benign for KIZ-related condition. Last evaluated: 2021-07-20. Review status: no assertion criteria provided. Collection method: clinical testing. Allele origin: germline. Not counted in ClinVar's aggregate classification.
Comment: This variant is classified as likely benign based on ACMG/AMP sequence variant interpretation guidelines (Richards et al. 2015 PMID: 25741868, with internal and published modifications).